The following is an entry in ClinVar:

NM_025099.6(CTC1):c.3458G>C (p.Arg1153Pro)

Gene: CTC1 (CST telomere replication complex component 1; minus strand). Cytogenetic location: 17p13.1.
Variant type: single nucleotide variant.
Coding change: c.3458G>C on transcript NM_025099.6 (MANE Select); coding-DNA position 3458, G replaced by C.
Protein change: p.Arg1153Pro; replaces arginine 1153 with proline.
Molecular consequence: missense variant. On other transcripts: non-coding transcript variant (1).
Genome position (GRCh38, 1-based): chr17:8,228,559, C>G on the plus strand (G>C on the coding strand, the complement: CTC1 is on the minus strand). VCF-style: chr17-8228559-C-G. GRCh37 (hg19) VCF-style: chr17-8131877-C-G.
Other names: short protein forms R1153P.
Identifiers: ClinVar variation 657273 (VCV000657273.7), dbSNP rs748674791, ClinGen allele CA8371767.
Genomic context (GRCh38, chr17:8,228,559, plus strand): 5'-TTACCTAATGGGACGATCTTCGACGGTTTCCTTTCCAGCTCAAAAGAAAGCACAATAGGA[C>G]GGAGGACAGAGGGGCTAGTACAAAGTGTCCAGAGGAACATGGTCATGGGCTCGTCAACCC-3'
Protein context (NP_079375.3, residues 1143-1163): WTLCTSPSVL[Arg1153Pro]PIVLSFELER

ClinVar aggregate classification (germline): Uncertain significance (1 of 4 stars; one submission).

Conditions:
Dyskeratosis congenita. Identifiers: Orphanet 1775, MedGen C0265965, MONDO:0015780.

Allele frequency attached by ClinVar (database versions not stated): ExAC 0.00001.
gnomAD v4.1: 7 of 1,614,088 alleles (0.00043%); highest among the groups gnomAD compares: South Asian, 0.0066%; no homozygotes.

Submission:

Labcorp Genetics (formerly Invitae), Labcorp
Classification: Uncertain significance for Dyskeratosis congenita. Last evaluated: 2025-01-01. Review status: criteria provided, single submitter. Criteria: Invitae Variant Classification Sherloc (09022015). Collection method: clinical testing. Allele origin: germline.
Comment: This sequence change replaces arginine, which is basic and polar, with proline, which is neutral and non-polar, at codon 1153 of the CTC1 protein (p.Arg1153Pro). This variant is present in population databases (rs748674791, gnomAD 0.01%). This variant has not been reported in the literature in individuals affected with CTC1-related conditions. ClinVar contains an entry for this variant (Variation ID: 657273). An algorithm developed to predict the effect of missense changes on protein structure and function (PolyPhen-2) suggests that this variant is likely to be disruptive. In summary, the available evidence is currently insufficient to determine the role of this variant in disease. Therefore, it has been classified as a Variant of Uncertain Significance.